The following is an entry in ClinVar:

NM_000384.3(APOB):c.11391A>G (p.Leu3797=)

Gene: APOB (apolipoprotein B; minus strand). Cytogenetic location: 2p24.1.
Variant type: single nucleotide variant.
Coding change: c.11391A>G on transcript NM_000384.3 (MANE Select); coding-DNA position 11391, A replaced by G.
Protein change: p.Leu3797=; no amino-acid change (leucine 3797 retained).
Molecular consequence: synonymous variant.
Genome position (GRCh38, 1-based): chr2:21,005,477, T>C on the plus strand (A>G on the coding strand, the complement: APOB is on the minus strand). VCF-style: chr2-21005477-T-C. GRCh37 (hg19) VCF-style: chr2-21228349-T-C.
Other names: p.Leu3797=.
Identifiers: ClinVar variation 630247 (VCV000630247.42), dbSNP rs140002021, ClinGen allele CA046509.

ClinVar aggregate classification (germline): Likely benign. Review status: criteria provided, multiple submitters, no conflicts (2 of 4 stars). 7 submissions from 7 submitters: Likely benign (5). 2 of the submissions do not count toward it. Last evaluated 2025-07-24.

Conditions:
Hypercholesterolemia, autosomal dominant, type B (FHCL2). Also called: Familial Hypercholesterolemia Type B; Hyperlipoproteinemia Type IIb; Familial hypercholesterolemia 2; APOB-Related Familial Hypercholesterolemia, Autosomal Dominant; APOLIPOPROTEIN B-100, FAMILIAL DEFECTIVE; APOLIPOPROTEIN B-100, FAMILIAL LIGAND-DEFECTIVE. Identifiers: MedGen C1704417, MONDO:0007751, OMIM 144010.
Familial hypobetalipoproteinemia 1. Also called: APOB-Related Familial Hypobetalipoproteinemia; Hypobetalipoproteinemia, normotriglyceridemic; Acanthocytosis with hypobetalipoproteinemia. Identifiers: MedGen C4551990, MONDO:0014252, OMIM 615558.
Cardiovascular phenotype. Identifiers: MedGen CN230736.

Allele frequency attached by ClinVar (database versions not stated): gnomAD 0.00003; TOPMed 0.00006; ESP Exome Variant Server 0.00015; ExAC 0.00002; gnomAD exomes 0.00002.
gnomAD v4.1: 62 of 1,613,972 alleles (0.0038%); highest among the groups gnomAD compares: Non-Finnish European, 0.0047%; no homozygotes.

Submissions (7):

Molecular Diagnostic Laboratory for Inherited Cardiovascular Disease, Montreal Heart Institute
Classification: Likely benign. Last evaluated: 2025-07-24. Review status: criteria provided, single submitter. Criteria: ACMG Guidelines, 2015. Collection method: clinical testing. Allele origin: germline. Affected: no.
Comment: BP7

CeGaT Center for Human Genetics Tuebingen
Classification: Likely benign. Last evaluated: 2025-06-01. Review status: criteria provided, single submitter. Criteria: CeGaT Center For Human Genetics Tuebingen Variant Classification Criteria Version 2. Collection method: clinical testing. Allele origin: germline. Affected: yes. Observed: 1 variant allele.
Comment: APOB: BP4, BP7

Mayo Clinic Laboratories, Mayo Clinic
Classification: Likely benign. Last evaluated: 2025-03-21. Review status: criteria provided, single submitter. Criteria: ACMG Guidelines, 2015. Collection method: clinical testing. Allele origin: germline. Observed: 2 variant alleles.
Comment: BP4, BP7

Labcorp Genetics (formerly Invitae), Labcorp
Classification: Likely benign for Familial hypobetalipoproteinemia 1; Hypercholesterolemia, autosomal dominant, type B. Last evaluated: 2024-07-19. Review status: criteria provided, single submitter. Criteria: Invitae Variant Classification Sherloc (09022015). Collection method: clinical testing. Allele origin: germline.

Ambry Genetics
Classification: Likely benign for Cardiovascular phenotype. Last evaluated: 2019-09-03. Review status: criteria provided, single submitter. Criteria: Ambry Variant Classification Scheme 2023. Collection method: clinical testing. Allele origin: germline.

Clinical Genetics DNA and cytogenetics Diagnostics Lab, Erasmus MC, Erasmus Medical Center
Classification: Likely benign. Review status: no assertion criteria provided. Collection method: clinical testing. Allele origin: germline. Affected: yes. Study: VKGL Data-share Consensus. Not counted in ClinVar's aggregate classification.

Clinical Genetics, Academic Medical Center
Classification: Likely benign. Review status: no assertion criteria provided. Collection method: clinical testing. Allele origin: germline. Affected: yes. Study: VKGL Data-share Consensus. Not counted in ClinVar's aggregate classification.